The following is an entry in ClinVar:

NM_000222.3(KIT):c.148G>A (p.Val50Met)

Gene: KIT (KIT proto-oncogene, receptor tyrosine kinase; plus strand). Cytogenetic location: 4q12.
Variant type: single nucleotide variant.
Coding change: c.148G>A on transcript NM_000222.3 (MANE Select); coding-DNA position 148, G replaced by A.
Protein change: p.Val50Met; replaces valine 50 with methionine.
Molecular consequence: missense variant.
Genome position (GRCh38, 1-based): chr4:54,695,592, G>A. VCF-style: chr4-54695592-G-A. GRCh37 (hg19) VCF-style: chr4-55561758-G-A.
Other names: c.148G>A, p.Val50Met (NM_001093772.2, NM_001385284.1, NM_001385285.1 and 4 more transcripts); short protein forms V50M.
Identifiers: ClinVar variation 458875 (VCV000458875.18), dbSNP rs200950545, ClinGen allele CA2923172.
Genomic context (GRCh38, chr4:54,695,592, plus strand): 5'-AGTCCAGGGGAACCGTCTCCACCATCCATCCATCCAGGAAAATCAGACTTAATAGTCCGC[G>A]TGGGCGACGAGATTAGGCTGTTATGCACTGATCCGGGCTTTGTCAAATGGACTTTTGAGA-3'
Protein context (NP_000213.1, residues 40-60): HPGKSDLIVR[Val50Met]GDEIRLLCTD

ClinVar aggregate classification (germline): Uncertain significance. Review status: criteria provided, multiple submitters, no conflicts (2 of 4 stars). 5 submissions from 5 submitters: Uncertain significance (5). Last evaluated 2026-04-29.

Conditions:
KIT-related disorder. Also called: KIT-related condition.
Hereditary cancer-predisposing syndrome. Also called: Tumor predisposition; Hereditary neoplastic syndrome; Neoplastic Syndromes, Hereditary; Hereditary Cancer Syndrome. Identifiers: Orphanet 140162, MedGen C0027672, MeSH D009386, MONDO:0015356.
Gastrointestinal stromal tumor. Also called: Gastrointestinal stromal tumor, somatic; Gastrointestinal stroma tumor. Identifiers: Orphanet 44890, MedGen C0238198, MeSH D046152, MONDO:0011719, OMIM 606764, HP:0100723.

Allele frequency attached by ClinVar (database versions not stated): TOPMed 0.00002.
gnomAD v4.1: 17 of 1,614,054 alleles (0.0011%); highest among the groups gnomAD compares: African/African-American, 0.0067%; no homozygotes.

Submissions (5):

PreventionGenetics, part of Exact Sciences
Classification: Uncertain significance for KIT-related condition. Last evaluated: 2026-04-29. Review status: criteria provided, single submitter. Criteria: ACMG Guidelines, 2015. Collection method: clinical testing. Allele origin: germline.
Comment: The KIT c.148G>A variant is predicted to result in the amino acid substitution p.Val50Met. To our knowledge, this variant has not been reported in the literature. This variant is reported in 0.016% of alleles in individuals of African descent in gnomAD and is classified as a variant of uncertain significance in ClinVar (Variation ID: 458875). At this time, the clinical significance of this variant is uncertain due to the absence of conclusive functional and genetic evidence.

Labcorp Genetics (formerly Invitae), Labcorp
Classification: Uncertain significance for Gastrointestinal stromal tumor. Last evaluated: 2025-12-04. Review status: criteria provided, single submitter. Criteria: Invitae Variant Classification Sherloc (09022015). Collection method: clinical testing. Allele origin: germline.
Comment: This sequence change replaces valine, which is neutral and non-polar, with methionine, which is neutral and non-polar, at codon 50 of the KIT protein (p.Val50Met). This variant is present in population databases (rs200950545, gnomAD 0.02%). This variant has not been reported in the literature in individuals affected with KIT-related conditions. ClinVar contains an entry for this variant (Variation ID: 458875). An algorithm developed to predict the effect of missense changes on protein structure and function (PolyPhen-2) suggests that this variant is likely to be disruptive. In summary, the available evidence is currently insufficient to determine the role of this variant in disease. Therefore, it has been classified as a Variant of Uncertain Significance.

Ambry Genetics
Classification: Uncertain significance for Hereditary cancer-predisposing syndrome. Last evaluated: 2025-09-07. Review status: criteria provided, single submitter. Criteria: Ambry Variant Classification Scheme 2023. Collection method: clinical testing. Allele origin: germline.
Comment: The p.V50M variant (also known as c.148G>A), located in coding exon 2 of the KIT gene, results from a G to A substitution at nucleotide position 148. The valine at codon 50 is replaced by methionine, an amino acid with highly similar properties. This amino acid position is poorly conserved in available vertebrate species. In addition, this alteration is predicted to be tolerated by in silico analysis. Since supporting evidence is limited at this time, the clinical significance of this alteration remains unclear.

GeneDx
Classification: Uncertain significance. Last evaluated: 2024-05-13. Review status: criteria provided, single submitter. Criteria: GeneDx Variant Classification Process June 2021. Collection method: clinical testing. Allele origin: germline. Affected: yes.
Comment: In silico analysis indicates that this missense variant does not alter protein structure/function; Has not been previously published as pathogenic or benign to our knowledge; This variant is associated with the following publications: (PMID: 36358690)

Baylor Genetics
Classification: Uncertain significance for Gastrointestinal stromal tumor. Last evaluated: 2023-10-06. Review status: criteria provided, single submitter. Criteria: ACMG Guidelines, 2015. Collection method: clinical testing. Allele origin: unknown.